The following is an entry in ClinVar:

NM_000256.3(MYBPC3):c.2242G>A (p.Val748Ile)

Gene: MYBPC3 (myosin binding protein C3; minus strand). Cytogenetic location: 11p11.2.
Variant type: single nucleotide variant.
Coding change: c.2242G>A on transcript NM_000256.3 (MANE Select); coding-DNA position 2242, G replaced by A.
Protein change: p.Val748Ile; replaces valine 748 with isoleucine.
Molecular consequence: missense variant.
Genome position (GRCh38, 1-based): chr11:47,338,586, C>T on the plus strand (G>A on the coding strand, the complement: MYBPC3 is on the minus strand). VCF-style: chr11-47338586-C-T. GRCh37 (hg19) VCF-style: chr11-47360137-C-T.
Other names: p.V748I:GTC>ATC; c.2242G>A, p.Val748Ile (LRG_386t1); short protein forms V748I.
Identifiers: ClinVar variation 180966 (VCV000180966.13), dbSNP rs730880563, ClinGen allele CA011935.

ClinVar aggregate classification (germline): Conflicting classifications of pathogenicity. Review status: criteria provided, conflicting classifications (1 of 4 stars). 5 submissions from 5 submitters: Uncertain significance (3); Likely benign (2). Last evaluated 2026-01-12.

Conditions:
Cardiovascular phenotype. Identifiers: MedGen CN230736.
Cardiomyopathy (CMYO). Also called: Cardiomyopathies. Identifiers: Orphanet 167848, MedGen C0878544, MONDO:0004994, HP:0001638. Inheritance: Various modes of inheritance.
Hypertrophic cardiomyopathy. Also called: HYPERTROPHIC MYOCARDIOPATHY. Identifiers: Orphanet 217569, MedGen C0007194, MeSH D002312, MONDO:0005045, HP:0001639.

Allele frequency attached by ClinVar (database versions not stated): gnomAD below 0.00001 and 0.00001; TOPMed below 0.00001; ExAC 0.00002; gnomAD exomes 0.00003 and 0.00004.

Submissions (5):

Labcorp Genetics (formerly Invitae), Labcorp
Classification: Uncertain significance for Hypertrophic cardiomyopathy. Last evaluated: 2026-01-12. Review status: criteria provided, single submitter. Criteria: Invitae Variant Classification Sherloc (09022015). Collection method: clinical testing. Allele origin: germline.
Comment: This sequence change replaces valine, which is neutral and non-polar, with isoleucine, which is neutral and non-polar, at codon 748 of the MYBPC3 protein (p.Val748Ile). This variant is present in population databases (rs730880563, gnomAD 0.03%). This variant has not been reported in the literature in individuals affected with MYBPC3-related conditions. ClinVar contains an entry for this variant (Variation ID: 180966). An algorithm developed to predict the effect of missense changes on protein structure and function outputs the following: PolyPhen-2: "Benign". The isoleucine amino acid residue is found in multiple mammalian species, which suggests that this missense change does not adversely affect protein function. In summary, the available evidence is currently insufficient to determine the role of this variant in disease. Therefore, it has been classified as a Variant of Uncertain Significance.

Women's Health and Genetics/Laboratory Corporation of America, LabCorp
Classification: Uncertain significance. Last evaluated: 2025-11-12. Review status: criteria provided, single submitter. Criteria: LabCorp Variant Classification Summary - May 2015. Collection method: clinical testing. Allele origin: germline.
Comment: Variant summary: MYBPC3 c.2242G>A (p.Val748Ile) results in a conservative amino acid change in the encoded protein sequence. Algorithms developed to predict the effect of missense changes on protein structure and function are either unavailable or do not agree on the potential impact of this missense change. The variant allele was found at a frequency of 4e-05 in 249192 control chromosomes in the gnomAD database, including 1 homozygotes. This frequency is not significantly higher than estimated for disease-causing variants in MYBPC3, allowing no conclusion about variant significance. To our knowledge, no occurrence of c.2242G>A in individuals affected with MYBPC3-related conditions and no experimental evidence demonstrating its impact on protein function have been reported. ClinVar contains an entry for this variant (Variation ID: 180966). Based on the evidence outlined above, the variant was classified as uncertain significance.

Color Diagnostics, LLC DBA Color Health
Classification: Likely benign for Cardiomyopathy. Last evaluated: 2025-08-14. Review status: criteria provided, single submitter. Criteria: ACMG Guidelines, 2015. Collection method: clinical testing. Allele origin: germline.

Ambry Genetics
Classification: Likely benign for Cardiovascular phenotype. Last evaluated: 2025-05-30. Review status: criteria provided, single submitter. Criteria: Ambry Variant Classification Scheme 2023. Collection method: clinical testing. Allele origin: germline.

GeneDx
Classification: Uncertain significance. Last evaluated: 2016-01-06. Review status: criteria provided, single submitter. Criteria: GeneDx Variant Classification (06012015). Collection method: clinical testing. Allele origin: germline. Affected: yes.
Comment: This variant was not observed in approximately 6,300 individuals of European and African American ancestry in the NHLBI Exome Sequencing Project, indicating it is not a common benign variant in these populations. Missense variants in nearby residues (D745G, T750M, N755K, V757M, G758D) have been reported in the Human Gene Mutation Database in association with HCM (Stenson et al., 2014), supporting the functional importance of this region of the protein. However, the V748I variant is a conservative amino acid substitution, which is not likely to impact secondary protein structure as these residues share similar properties. This substitution occurs at a position where amino acids with similar properties to Valine are tolerated across species, and Isoleucine is the wild-type amino acid at this position in multiple species. Furthermore, in silico analysis is inconsistent in its predictions as to whether or not the variant is damaging to the protein structure/function. Therefore, based on the currently available information, it is unclear whether this variant is pathogenic or benign.